The following is an entry in ClinVar:

ClinVar aggregate classification (germline): Uncertain significance (1 of 4 stars; one submission).

Allele frequency attached by ClinVar (database versions not stated): TOPMed 0.00001.
gnomAD v4.1: 1 of 1,198,198 alleles (0.000083%); highest among the groups gnomAD compares: Non-Finnish European, 0.00011%; no homozygotes.

Submission:

CeGaT Center for Human Genetics Tuebingen
Classification: Uncertain significance. Last evaluated: 2024-01-01. Review status: criteria provided, single submitter. Criteria: CeGaT Center For Human Genetics Tuebingen Variant Classification Criteria Version 2. Collection method: clinical testing. Allele origin: germline. Affected: yes. Observed: 1 variant allele.
Comment: BCORL1: PM2

NM_001379451.1(BCORL1):c.4001G>C (p.Arg1334Pro)

Gene: BCORL1 (BCL6 corepressor like 1; plus strand). Cytogenetic location: Xq26.1.
Variant type: single nucleotide variant.
Coding change: c.4001G>C on transcript NM_001379451.1 (MANE Select); coding-DNA position 4001, G replaced by C.
Protein change: p.Arg1334Pro; replaces arginine 1334 with proline.
Molecular consequence: missense variant.
Genome position (GRCh38, 1-based): chrX:130,025,302, G>C. VCF-style: chrX-130025302-G-C. GRCh37 (hg19) VCF-style: chrX-129159277-G-C.
Other names: c.4001G>C, p.Arg1334Pro (NM_001379450.1, NM_021946.5, NM_001184772.3); short protein forms R1334P.
Identifiers: ClinVar variation 3026012 (VCV003026012.22), dbSNP rs143797443, ClinGen allele CA335105861.
Genomic context (GRCh38, chrX:130,025,302, plus strand): 5'-CCAATGAGGAGGAGGAGGAAGAAGAGGAGGAGGGCCTGCTGAAGAGGAAGAAACGAAGAC[G>C]GCAGAAGAGCCGAAAATATCAGACTGGGGAGTACCTGACAGAGCAAGAAGACGAGCAGCG-3'
Protein context (NP_001366380.1, residues 1324-1344): EGLLKRKKRR[Arg1334Pro]QKSRKYQTGE